The following is an entry in ClinVar:

ClinVar aggregate classification (germline): Pathogenic (1 of 4 stars; one submission).

Conditions:
Fanconi anemia complementation group O. Also called: RAD51C-Related Fanconi Anemia. Identifiers: Orphanet 84, MedGen C3150653, MONDO:0013248, OMIM 613390.

Submission:

Labcorp Genetics (formerly Invitae), Labcorp
Classification: Pathogenic for Fanconi anemia complementation group O. Last evaluated: 2022-10-07. Review status: criteria provided, single submitter. Criteria: Invitae Variant Classification Sherloc (09022015). Collection method: clinical testing. Allele origin: germline.
Comment: This variant is a gross deletion of the genomic region encompassing exon(s) 3 of the RAD51C gene. This deletion is out-of-frame, and is expected to create a premature termination codon and result in an absent or disrupted protein product. Loss-of-function variants in RAD51C are known to be pathogenic (PMID: 20400964, 21990120, 24800917). For these reasons, this variant has been classified as Pathogenic. This variant has not been reported in the literature in individuals affected with RAD51C-related conditions.

Literature cited by the submitters: PubMed 20400964; PubMed 21990120; PubMed 24800917.

NC_000017.10:g.(?_56774044)_(56774230_?)del

Gene: RAD51C (RAD51 paralog C; plus strand). Cytogenetic location: 17q22.
Variant type: Deletion.
Identifiers: ClinVar variation 1460154 (VCV001460154.5).